The following is an entry in ClinVar:

NM_006060.6(IKZF1):c.161-8295C>T

Gene: IKZF1 (IKAROS family zinc finger 1; plus strand). Cytogenetic location: 7p12.2.
Variant type: single nucleotide variant.
Coding change: c.161-8295C>T on transcript NM_006060.6 (MANE Select); 8295 bases into the intron before coding-DNA position 161, C replaced by T.
Molecular consequence: intron variant. On other transcripts: synonymous variant (1).
Genome position (GRCh38, 1-based): chr7:50,368,238, C>T. VCF-style: chr7-50368238-C-T. GRCh37 (hg19) VCF-style: chr7-50435936-C-T.
Other names: c.393C>T, p.Asn131= (NM_001291845.2); c.220+173C>T (NM_001410879.1, NM_001291846.2, NM_001291847.2); c.161-14302C>T (NM_001291839.2, NM_001291838.2, NM_001220767.2 and 1 more transcripts); c.161-8295C>T (NM_001220765.3, NM_001291837.2, NM_001220768.2 and 1 more transcripts); c.161-19107C>T (NM_001291841.1, NM_001291842.1); c.161-23491C>T (NM_001291843.1, NM_001291844.1); c.161-31680C>T (NM_001291840.1); c.393C>T (NM_001291845.1).
Identifiers: ClinVar variation 2657497 (VCV002657497.27), dbSNP rs182128033, ClinGen allele CA4261235.

ClinVar aggregate classification (germline): Likely benign. Review status: criteria provided, multiple submitters, no conflicts (2 of 4 stars). 4 submissions from 4 submitters: Likely benign (3). 1 of the submissions does not count toward it. Last evaluated 2026-09-01.

Conditions:
IKZF1-related disorder. Also called: IKZF1-related condition.

Allele frequency attached by ClinVar (database versions not stated): gnomAD exomes 0.00084; TOPMed 0.00093; gnomAD 0.00096; 1000 Genomes Project 30x 0.00047.
gnomAD v4.1: 612 of 703,072 alleles (0.087%); highest among the groups gnomAD compares: Non-Finnish European, 0.12%; 2 homozygotes.

Submissions (4):

CeGaT Center for Human Genetics Tuebingen
Classification: Likely benign. Last evaluated: 2026-09-01. Review status: criteria provided, single submitter. Criteria: CeGaT Center For Human Genetics Tuebingen Variant Classification Criteria Version 2. Collection method: clinical testing. Allele origin: germline. Affected: yes. Observed: 6 variant alleles.
Comment: IKZF1: BP4, BP7

Laboratory of Genetics, Children's Clinical University Hospital Latvia
Classification: Likely benign. Last evaluated: 2025-02-16. Review status: criteria provided, single submitter. Criteria: ACMG Guidelines, 2015. Collection method: clinical testing. Allele origin: germline. Affected: yes.

Blueprint Genetics
Classification: Likely benign. Last evaluated: 2024-11-26. Review status: criteria provided, single submitter. Criteria: ACMG Guidelines, 2015. Collection method: clinical testing. Allele origin: germline.

PreventionGenetics, part of Exact Sciences
Classification: Likely benign for IKZF1-related condition. Last evaluated: 2019-11-25. Review status: no assertion criteria provided. Collection method: clinical testing. Allele origin: germline. Not counted in ClinVar's aggregate classification.
Comment: This variant is classified as likely benign based on ACMG/AMP sequence variant interpretation guidelines (Richards et al. 2015 PMID: 25741868, with internal and published modifications).